The following is an entry in ClinVar:

NM_004453.4(ETFDH):c.100T>A (p.Ser34Thr)

Gene: ETFDH (electron transfer flavoprotein dehydrogenase; plus strand). Cytogenetic location: 4q32.1.
Variant type: single nucleotide variant.
Coding change: c.100T>A on transcript NM_004453.4 (MANE Select); coding-DNA position 100, T replaced by A.
Protein change: p.Ser34Thr; replaces serine 34 with threonine.
Molecular consequence: missense variant. On other transcripts: intron variant (1).
Genome position (GRCh38, 1-based): chr4:158,680,532, T>A. VCF-style: chr4-158680532-T-A. GRCh37 (hg19) VCF-style: chr4-159601684-T-A.
Other names: c.35-1663T>A (NM_001281737.2); short protein forms S34T.
Identifiers: ClinVar variation 2067173 (VCV002067173.4), dbSNP rs1773826525, ClinGen allele CA358573396.

ClinVar aggregate classification (germline): Uncertain significance (1 of 4 stars; one submission).

Conditions:
Multiple acyl-CoA dehydrogenase deficiency (MADD). Also called: ETHYLMALONIC-ADIPICACIDURIA; GA II; Glutaric acidemia type II; GA 2; Glutaric aciduria, type 2; Glutaric Acidemia type 2. Identifiers: Orphanet 26791, MedGen C0268596, MONDO:0009282, OMIM 231680.

Submission:

Labcorp Genetics (formerly Invitae), Labcorp
Classification: Uncertain significance for Multiple acyl-CoA dehydrogenase deficiency. Last evaluated: 2025-04-21. Review status: criteria provided, single submitter. Criteria: Invitae Variant Classification Sherloc (09022015). Collection method: clinical testing. Allele origin: germline.
Comment: This sequence change replaces serine, which is neutral and polar, with threonine, which is neutral and polar, at codon 34 of the ETFDH protein (p.Ser34Thr). This variant is not present in population databases (gnomAD no frequency). This variant has not been reported in the literature in individuals affected with ETFDH-related conditions. ClinVar contains an entry for this variant (Variation ID: 2067173). Invitae Evidence Modeling of protein sequence and biophysical properties (such as structural, functional, and spatial information, amino acid conservation, physicochemical variation, residue mobility, and thermodynamic stability) indicates that this missense variant is not expected to disrupt ETFDH protein function with a negative predictive value of 95%. In summary, the available evidence is currently insufficient to determine the role of this variant in disease. Therefore, it has been classified as a Variant of Uncertain Significance.